The following is an entry in ClinVar:

ClinVar aggregate classification (germline): Uncertain significance (1 of 4 stars; one submission).

Submission:

GeneDx
Classification: Uncertain significance. Last evaluated: 2024-01-17. Review status: criteria provided, single submitter. Criteria: GeneDx Variant Classification Process June 2021. Collection method: clinical testing. Allele origin: germline. Affected: yes.
Comment: Not observed at significant frequency in large population cohorts (gnomAD); In silico analysis supports that this missense variant has a deleterious effect on protein structure/function; Has not been previously published as pathogenic or benign to our knowledge; This variant is associated with the following publications: (PMID: 19389631, 8756292)

NM_006361.6(HOXB13):c.700G>C (p.Glu234Gln)

Gene: HOXB13 (homeobox B13; minus strand). Cytogenetic location: 17q21.32.
Variant type: single nucleotide variant.
Coding change: c.700G>C on transcript NM_006361.6 (MANE Select); coding-DNA position 700, G replaced by C.
Protein change: p.Glu234Gln; replaces glutamic acid 234 with glutamine.
Molecular consequence: missense variant.
Genome position (GRCh38, 1-based): chr17:48,726,945, C>G on the plus strand (G>C on the coding strand, the complement: HOXB13 is on the minus strand). VCF-style: chr17-48726945-C-G. GRCh37 (hg19) VCF-style: chr17-46804307-C-G.
Other names: short protein forms E234Q.
Identifiers: ClinVar variation 3367965 (VCV003367965.1).
Genomic context (GRCh38, chr17:48,726,945, plus strand): 5'-TGGTGGCTGCCGAGATCTTGCGCCTCTTGTCCTTGGTGATGAACTTGTTAGCCGCATACT[C>G]CCGCTCCAGCTCCCGCAACTGCCCCTTGCTGTACGGAATGCGTTTCTTGCGGCCGCGACG-3'
Protein context (NP_006352.2, residues 224-244): SKGQLRELER[Glu234Gln]YAANKFITKD